The following is an entry in ClinVar:

NM_006618.5(KDM5B):c.1538G>A (p.Trp513Ter)

Gene: KDM5B (lysine demethylase 5B; minus strand). Cytogenetic location: 1q32.1.
Variant type: single nucleotide variant.
Coding change: c.1538G>A on transcript NM_006618.5 (MANE Select); coding-DNA position 1538, G replaced by A.
Protein change: p.Trp513Ter; replaces tryptophan 513 with a stop codon.
Molecular consequence: nonsense.
Genome position (GRCh38, 1-based): chr1:202,755,271, C>T on the plus strand (G>A on the coding strand, the complement: KDM5B is on the minus strand). VCF-style: chr1-202755271-C-T. GRCh37 (hg19) VCF-style: chr1-202724399-C-T.
Other names: c.1646G>A, p.Trp549Ter (NM_001314042.2); c.1403G>A, p.Trp468Ter (NM_001347591.2); c.1523G>A, p.Trp508Ter (NM_001399817.1); short protein forms W508*, W513*, W468*, W549*.
Identifiers: ClinVar variation 2309603 (VCV002309603.2), dbSNP rs2527535553, ClinGen allele CA344270403.

ClinVar aggregate classification (germline): Pathogenic (1 of 4 stars; one submission).

Conditions:
Inborn genetic diseases. Identifiers: MedGen C0950123, MeSH D030342.

Submission:

Ambry Genetics
Classification: Pathogenic for Inborn genetic diseases. Last evaluated: 2022-10-13. Review status: criteria provided, single submitter. Criteria: Ambry Variant Classification Scheme 2023. Collection method: clinical testing. Allele origin: germline.
Comment: The c.1538G>A (p.W513*) alteration, located in exon 11 (coding exon 11) of the KDM5B gene, consists of a G to A substitution at nucleotide position 1538. This changes the amino acid from a tryptophan (W) to a stop codon at amino acid position 513. This alteration is expected to result in loss of function by premature protein truncation or nonsense-mediated mRNA decay. This variant was not reported in population-based cohorts in the Genome Aggregation Database (gnomAD). This nucleotide position is highly conserved in available vertebrate species. In silico splice site analysis predicts that this alteration will weaken the native splice donor site. Based on the available evidence, this alteration is classified as pathogenic.